The following is an entry in ClinVar:

NM_001276270.2(MBD4):c.1266C>G (p.Ser422Arg)

Gene: MBD4 (methyl-CpG binding domain 4, DNA glycosylase; minus strand). Cytogenetic location: 3q21.3.
Variant type: single nucleotide variant.
Coding change: c.1266C>G on transcript NM_001276270.2 (MANE Select); coding-DNA position 1266, C replaced by G.
Protein change: p.Ser422Arg; replaces serine 422 with arginine.
Molecular consequence: missense variant.
Genome position (GRCh38, 1-based): chr3:129,433,977, G>C on the plus strand (C>G on the coding strand, the complement: MBD4 is on the minus strand). VCF-style: chr3-129433977-G-C. GRCh37 (hg19) VCF-style: chr3-129152820-G-C.
Other names: c.1284C>G, p.Ser428Arg (NM_001276271.2, NM_001276272.2, NM_003925.3); c.330C>G, p.Ser110Arg (NM_001276273.2); short protein forms S422R, S428R, S110R.
Identifiers: ClinVar variation 4825712 (VCV004825712.1).

ClinVar aggregate classification (germline): Uncertain significance (1 of 4 stars; one submission).

Conditions:
Inborn genetic diseases. Identifiers: MedGen C0950123, MeSH D030342.

gnomAD v4.1: 3 of 1,614,198 alleles (0.00019%); highest among the groups gnomAD compares: South Asian, 0.0022%; no homozygotes.

Submission:

Ambry Genetics
Classification: Uncertain significance for Inborn genetic diseases. Last evaluated: 2026-02-14. Review status: criteria provided, single submitter. Criteria: Ambry Variant Classification Scheme 2023. Collection method: clinical testing. Allele origin: germline.
Comment: The p.S422R variant (also known as c.1266C>G), located in coding exon 5 of the MBD4 gene, results from a C to G substitution at nucleotide position 1266. The serine at codon 422 is replaced by arginine, an amino acid with dissimilar properties. This amino acid position is conserved. In addition, the in silico prediction for this alteration is inconclusive. Based on the available evidence, the clinical significance of this variant remains unclear.